The following is an entry in ClinVar:

ClinVar aggregate classification (germline): Uncertain significance (1 of 4 stars; one submission).

Conditions:
Aicardi-Goutieres syndrome 7 (AGS7). Identifiers: Orphanet 51, MedGen C3888244, MONDO:0014367, OMIM 615846.
Singleton-Merten syndrome 1 (SGMRT1). Also called: Widened medullary cavities of bone, aortic calcification, abnormal dentition, and muscular weakness; Syndrome of widened medullary cavities of the metacarpals and phalanges, aortic calcification and abnormal dentition. Identifiers: Orphanet 85191, MedGen C4225427, MONDO:0024535, OMIM 182250.

Submission:

Labcorp Genetics (formerly Invitae), Labcorp
Classification: Uncertain significance for Aicardi-Goutieres syndrome 7; Singleton-Merten syndrome 1. Last evaluated: 2022-01-13. Review status: criteria provided, single submitter. Criteria: Invitae Variant Classification Sherloc (09022015). Collection method: clinical testing. Allele origin: germline.
Comment: In summary, the available evidence is currently insufficient to determine the role of this variant in disease. Therefore, it has been classified as a Variant of Uncertain Significance. This variant has not been reported in the literature in individuals affected with IFIH1-related conditions. This variant is not present in population databases (gnomAD no frequency). This sequence change creates a premature translational stop signal (p.Leu938Phefs*4) in the IFIH1 gene. It is expected to result in an absent or disrupted protein product. However, the current clinical and genetic evidence is not sufficient to establish whether loss-of-function variants in IFIH1 cause disease.

NM_022168.4(IFIH1):c.2812del (p.Leu938fs)

Gene: IFIH1 (interferon induced with helicase C domain 1; minus strand). Cytogenetic location: 2q24.2.
Variant type: Deletion.
Coding change: c.2812del on transcript NM_022168.4 (MANE Select); coding-DNA position 2812, one base deleted (C; older notation c.2812delC).
Protein change: p.Leu938fs; shifts the reading frame from leucine 938.
Molecular consequence: frameshift variant.
Genome position (GRCh38, 1-based): chr2:162,267,565, G deleted on the plus strand (C on the coding strand, the reverse complement: IFIH1 is on the minus strand). VCF-style (leftmost placement, unchanged base first): chr2-162267564-AG-A. GRCh37 (hg19) VCF-style: chr2-163124074-AG-A.
Other names: short protein forms L938fs.
Identifiers: ClinVar variation 1476078 (VCV001476078.6), dbSNP rs2105187112, ClinGen allele CA2573133431.
Genomic context (GRCh38, chr2:162,267,564, plus strand): 5'-CCATTTATTTGATAGTCGGCACACTTCTTTTGCAGTGCTTTGTTTTCTCTTACAATGTAA[AG>A]TTCCCTATAAGTATCAAAGGGAAAGAATCATCATGGAGAACTGACAAAATACCAGTGTGT-3'